The following is an entry in ClinVar:

NM_012309.5(SHANK2):c.3042G>A (p.Val1014=)

Gene: SHANK2 (SH3 and multiple ankyrin repeat domains 2; minus strand). Cytogenetic location: 11q13.3.
Variant type: single nucleotide variant.
Coding change: c.3042G>A on transcript NM_012309.5 (MANE Select); coding-DNA position 3042, G replaced by A.
Protein change: p.Val1014=; no amino-acid change (valine 1014 retained).
Molecular consequence: synonymous variant.
Genome position (GRCh38, 1-based): chr11:70,487,251, C>T on the plus strand (G>A on the coding strand, the complement: SHANK2 is on the minus strand). VCF-style: chr11-70487251-C-T. GRCh37 (hg19) VCF-style: chr11-70333356-C-T.
Other names: c.1905G>A, p.Val635= (NM_001379226.1); c.1278G>A, p.Val426= (NM_133266.5).
Identifiers: ClinVar variation 681363 (VCV000681363.1), dbSNP rs781874756, ClinGen allele CA6161187.
Genomic context (GRCh38, chr11:70,487,251, plus strand): 5'-GATGGTCGGGATAGGGATGGAGCACGTCTTCTCGGGGCTGTCCTCCACGTTGGACTGCTT[C>T]ACCAGCATCCCCTTCCGCCTGGCGGGCTTGGCGGGGACGTAGACGGCTTTGCTGGCGATC-3'
Protein context (NP_036441.2, residues 1004-1024): AKPARRKGML[Val1014=]KQSNVEDSPE

ClinVar aggregate classification (germline): Likely benign (1 of 4 stars; one submission).

Allele frequency attached by ClinVar (database versions not stated): gnomAD exomes below 0.00001 and 0.00001; ExAC 0.00001; gnomAD 0.00001; TOPMed 0.00001.
gnomAD v4.1: 12 of 1,614,094 alleles (0.00074%); highest among the groups gnomAD compares: Non-Finnish European, 0.00093%; no homozygotes.

Submission:

GeneDx
Classification: Likely benign. Last evaluated: 2017-02-02. Review status: criteria provided, single submitter. Criteria: GeneDx Variant Classification (06012015). Collection method: clinical testing. Allele origin: germline. Affected: yes.
Comment: This variant is considered likely benign or benign based on one or more of the following criteria: it is a conservative change, it occurs at a poorly conserved position in the protein, it is predicted to be benign by multiple in silico algorithms, and/or has population frequency not consistent with disease.